The following is an entry in ClinVar:

ClinVar aggregate classification (germline): Uncertain significance (1 of 4 stars; one submission).

Conditions:
Anterior segment dysgenesis. Also called: Ocular anterior segment dysgenesis. Identifiers: Orphanet 88632, MedGen C1862839, MONDO:0019503, HP:0007700.
Congenital primary aphakia. Also called: Anterior segment dysgenesis 2, multiple subtypes; ANTERIOR SEGMENT DYSGENESIS 2. Identifiers: Orphanet 83461, MedGen C1853230, MONDO:0012456, OMIM 610256.

Submission:

Labcorp Genetics (formerly Invitae), Labcorp
Classification: Uncertain significance for Anterior segment dysgenesis; Congenital primary aphakia. Last evaluated: 2025-12-13. Review status: criteria provided, single submitter. Criteria: Invitae Variant Classification Sherloc (09022015). Collection method: clinical testing. Allele origin: germline.
Comment: This sequence change replaces alanine, which is neutral and non-polar, with threonine, which is neutral and polar, at codon 254 of the FOXE3 protein (p.Ala254Thr). This variant is not present in population databases (gnomAD no frequency). This variant has not been reported in the literature in individuals affected with FOXE3-related conditions. Invitae Evidence Modeling of protein sequence and biophysical properties (such as structural, functional, and spatial information, amino acid conservation, physicochemical variation, residue mobility, and thermodynamic stability) indicates that this missense variant is not expected to disrupt FOXE3 protein function with a negative predictive value of 80%. In summary, the available evidence is currently insufficient to determine the role of this variant in disease. Therefore, it has been classified as a Variant of Uncertain Significance.

NM_012186.3(FOXE3):c.760G>A (p.Ala254Thr)

Genes: FOXE3 (forkhead box E3; plus strand), LINC01389 (long independently transcribed non-coding RNA 1389; minus strand). Cytogenetic location: 1p33.
Variant type: single nucleotide variant.
Coding change: c.760G>A on transcript NM_012186.3 (MANE Select); coding-DNA position 760, G replaced by A.
Protein change: p.Ala254Thr; replaces alanine 254 with threonine.
Molecular consequence: missense variant.
Genome position (GRCh38, 1-based): chr1:47,417,075, G>A. VCF-style: chr1-47417075-G-A. GRCh37 (hg19) VCF-style: chr1-47882747-G-A.
Other names: short protein forms A254T.
Identifiers: ClinVar variation 4783420 (VCV004783420.1).